The following is an entry in ClinVar:

ClinVar aggregate classification (germline): Pathogenic/Likely pathogenic. Review status: criteria provided, multiple submitters, no conflicts (2 of 4 stars). 3 submissions from 3 submitters: Pathogenic (2); Likely pathogenic (1). Last evaluated 2025-05-04.

Conditions:
Diffuse cerebral and cerebellar atrophy - intractable seizures - progressive microcephaly syndrome. Also called: Microcephaly, progressive, with seizures and cerebral and cerebellar atrophy. Identifiers: Orphanet 404437, MedGen C4014239, MONDO:0014335, OMIM 615760.
QARS-related disorders.

Allele frequency attached by ClinVar (database versions not stated): gnomAD exomes below 0.00001; TOPMed below 0.00001; gnomAD 0.00001.

Submissions (3):

GeneDx
Classification: Pathogenic. Last evaluated: 2025-05-04. Review status: criteria provided, single submitter. Criteria: GeneDx Variant Classification Process June 2021. Collection method: clinical testing. Allele origin: germline. Affected: yes.
Comment: Frameshift variant predicted to result in protein truncation or nonsense mediated decay in a gene for which loss of function is a known mechanism of disease; Has not been previously published as pathogenic or benign to our knowledge; Not observed at significant frequency in large population cohorts (gnomAD)

Labcorp Genetics (formerly Invitae), Labcorp
Classification: Pathogenic for Diffuse cerebral and cerebellar atrophy - intractable seizures - progressive microcephaly syndrome. Last evaluated: 2024-09-15. Review status: criteria provided, single submitter. Criteria: Invitae Variant Classification Sherloc (09022015). Collection method: clinical testing. Allele origin: germline.
Comment: This sequence change creates a premature translational stop signal (p.Tyr484Leufs*20) in the QARS gene. It is expected to result in an absent or disrupted protein product. Loss-of-function variants in QARS are known to be pathogenic (PMID: 24656866, 25471517). This variant is not present in population databases (gnomAD no frequency). This variant has not been reported in the literature in individuals affected with QARS-related conditions. ClinVar contains an entry for this variant (Variation ID: 421411). For these reasons, this variant has been classified as Pathogenic.

Blueprint Genetics
Classification: Likely pathogenic for QARS-related disorders. Last evaluated: 2021-06-28. Review status: criteria provided, single submitter. Criteria: ACMG Guidelines, 2015. Collection method: clinical testing. Allele origin: germline. Affected: yes. Observed: 1 variant allele.

Literature cited by the submitters: PubMed 24656866 (cited by Labcorp Genetics (formerly Invitae), Labcorp); PubMed 25471517 (cited by Labcorp Genetics (formerly Invitae), Labcorp).

NM_005051.3(QARS1):c.1451del (p.Tyr484fs)

Gene: QARS1 (glutaminyl-tRNA synthetase 1; minus strand). Cytogenetic location: 3p21.31.
Variant type: Deletion.
Coding change: c.1451del on transcript NM_005051.3 (MANE Select); coding-DNA position 1451, one base deleted (A; older notation c.1451delA).
Protein change: p.Tyr484fs; shifts the reading frame from tyrosine 484.
Molecular consequence: frameshift variant. On other transcripts: non-coding transcript variant (1).
Genome position (GRCh38, 1-based): chr3:49,099,585, T deleted on the plus strand (A on the coding strand, the reverse complement: QARS1 is on the minus strand). VCF-style (leftmost placement, unchanged base first): chr3-49099584-AT-A. GRCh37 (hg19) VCF-style: chr3-49137017-AT-A.
Other names: c.1451delA (NM_005051.2); c.1418del, p.Tyr473fs (NM_001272073.2); c.1451del (NM_005051.2); short protein forms Y484fs, Y473fs.
Identifiers: ClinVar variation 421411 (VCV000421411.10), dbSNP rs1064795119, ClinGen allele CA16617988.
Genomic context (GRCh38, chr3:49,099,584, plus strand): 5'-TGCTACAAGCTGGAGGATCTTCCTCTTAGAGACAACAGCATAGTGCAGGTTGAGGCGGCC[AT>A]ACTCCCACTGCACAGGGCAATAGACGTCCAGTGCATTGCAAAGCCAGAAGTAGGAAGAGC-3'